The following is an entry in ClinVar:

ClinVar aggregate classification (germline): Uncertain significance. Review status: criteria provided, single submitter (1 of 4 stars). 2 submissions from 1 submitter: Uncertain significance (2). Last evaluated 2021-04-16.

Conditions:
Candidiasis, familial, 9 (CANDF9). Identifiers: Orphanet 1334, MedGen C4225324, MONDO:0014642, OMIM 616445.
Autosomal recessive severe congenital neutropenia due to JAGN1 deficiency. Also called: Severe congenital neutropenia 6, autosomal recessive. Identifiers: Orphanet 423384, MedGen C4014954, MONDO:0014456, OMIM 616022.

Submissions (2):

Labcorp Genetics (formerly Invitae), Labcorp
Classification: Uncertain significance for Autosomal recessive severe congenital neutropenia due to JAGN1 deficiency. Last evaluated: 2021-04-16. Review status: criteria provided, single submitter. Criteria: Invitae Variant Classification Sherloc (09022015). Collection method: clinical testing. Allele origin: germline.
Comment: This variant results in a copy number gain of the genomic region encompassing the full coding sequence of the JAGN1 gene. The boundaries of this event are unknown as they extend beyond the assayed region for this gene and therefore may encompass additional genes. As the precise location of this event is unknown, it may be in tandem or it may be located elsewhere in the genome. This variant has not been reported in the literature in individuals with JAGN1-related conditions. In summary, the available evidence is currently insufficient to determine the role of this variant in disease. Therefore, it has been classified as a Variant of Uncertain Significance.

Labcorp Genetics (formerly Invitae), Labcorp
Classification: Uncertain significance for Candidiasis, familial, 9. Last evaluated: 2021-04-16. Review status: criteria provided, single submitter. Criteria: Invitae Variant Classification Sherloc (09022015). Collection method: clinical testing. Allele origin: germline.
Comment: This variant results in a copy number gain of the genomic region encompassing the full coding sequence of the IL17RC gene. The boundaries of this event are unknown as they extend beyond the assayed region for this gene and therefore may encompass additional genes. As the precise location of this event is unknown, it may be in tandem or it may be located elsewhere in the genome. This variant has not been reported in the literature in individuals with IL17RC-related conditions. In summary, the available evidence is currently insufficient to determine the role of this variant in disease. Therefore, it has been classified as a Variant of Uncertain Significance.

NC_000003.11:g.(?_9908818)_(10191649_?)dup

Genes: IL17RE (interleukin 17 receptor E; plus strand), JAGN1 (jagunal homolog 1; plus strand), PRRT3 (proline rich transmembrane protein 3; minus strand), IL17RC (interleukin 17 receptor C; plus strand), BRK1 (BRICK1 subunit of SCAR/WAVE actin nucleating complex; plus strand) and 6 more. Cytogenetic location: 3p25.3.
Variant type: Duplication.
Identifiers: ClinVar variation 1412574 (VCV001412574.3).